The following is an entry in ClinVar:

ClinVar aggregate classification (germline): Uncertain significance (1 of 4 stars; one submission).

Conditions:
Developmental and epileptic encephalopathy 94 (DEE94). Also called: CHD2-Related Neurodevelopmental Disorders; Epileptic encephalopathy, childhood-onset. Identifiers: Orphanet 1942, Orphanet 2382, MedGen C3809278, MONDO:0014150, OMIM 615369.

Allele frequency attached by ClinVar (database versions not stated): gnomAD exomes below 0.00001.
gnomAD v4.1: 1 of 1,601,634 alleles (0.000062%); highest among the groups gnomAD compares: East Asian, 0.0022%; no homozygotes.

Submission:

Labcorp Genetics (formerly Invitae), Labcorp
Classification: Uncertain significance for Developmental and epileptic encephalopathy 94. Last evaluated: 2023-02-24. Review status: criteria provided, single submitter. Criteria: Invitae Variant Classification Sherloc (09022015). Collection method: clinical testing. Allele origin: germline.
Comment: Variants that disrupt the consensus splice site are a relatively common cause of aberrant splicing (PMID: 17576681, 9536098). Algorithms developed to predict the effect of sequence changes on RNA splicing suggest that this variant is not likely to affect RNA splicing. This variant has not been reported in the literature in individuals affected with CHD2-related conditions. This variant is present in population databases (no rsID available, gnomAD 0.006%). This sequence change falls in intron 9 of the CHD2 gene. It does not directly change the encoded amino acid sequence of the CHD2 protein. It affects a nucleotide within the consensus splice site. In summary, the available evidence is currently insufficient to determine the role of this variant in disease. Therefore, it has been classified as a Variant of Uncertain Significance.

Literature cited by the submitters: PubMed 17576681; PubMed 9536098.

NM_001271.4(CHD2):c.1052+4T>C

Gene: CHD2 (chromodomain helicase DNA binding protein 2; plus strand). Cytogenetic location: 15q26.1.
Variant type: single nucleotide variant.
Coding change: c.1052+4T>C on transcript NM_001271.4 (MANE Select); 4 bases into the intron after coding-DNA position 1052, T replaced by C.
Molecular consequence: intron variant.
Genome position (GRCh38, 1-based): chr15:92,943,072, T>C. VCF-style: chr15-92943072-T-C. GRCh37 (hg19) VCF-style: chr15-93486302-T-C.
Other names: c.1052+4T>C (NM_001042572.3).
Identifiers: ClinVar variation 2840602 (VCV002840602.3), dbSNP rs1480016742, ClinGen allele CA619862666.